The following is an entry in ClinVar:

ClinVar aggregate classification (germline): Uncertain significance (1 of 4 stars; one submission).

Submission:

Dasa
Classification: Uncertain significance. Last evaluated: 2025-01-31. Review status: criteria provided, single submitter. Criteria: DASA Assertion Criteria. Collection method: clinical testing. Allele origin: germline.
Comment: NM_001267550.2(TTN):c.28924_28930delinsTCAGCTTTGCTAGTTC (p.Gly9643_Thr9644delinsAlaLeuLeuValPro) is an in-frame insertion/deletion-insertion predicted to alter the protein sequence without shifting the reading frame. This variant is absent from population databases. The currently available literature and clinical evidence are not sufficient to establish a definitive association between this variant and the reported condition. Therefore, this variant is classified as a variant of uncertain significance.

NM_001267550.2(TTN):c.28924_28930delinsTCAGCTTTGCTAGTTC (p.Gly9643_Thr9644delinsAlaLeuLeuValPro)

Gene: TTN (titin; minus strand). Cytogenetic location: 2q31.2.
Variant type: Indel.
Coding change: c.28924_28930delinsTCAGCTTTGCTAGTTC on transcript NM_001267550.2 (MANE Select); coding-DNA positions 28924 to 28930, AGTGGGA replaced by TCAGCTTTGCTAGTTC.
Protein change: p.Gly9643_Thr9644delinsAlaLeuLeuValPro.
Molecular consequence: inframe indel. On other transcripts: intron variant (3).
Genome position (GRCh38, 1-based): chr2:178,707,637-178,707,643, TCCCACT replaced by GAACTAGCAAAGCTGA on the plus strand (AGTGGGA replaced by TCAGCTTTGCTAGTTC on the coding strand, the reverse complement: TTN is on the minus strand). VCF-style: chr2-178707637-TCCCACT-GAACTAGCAAAGCTGA. GRCh37 (hg19) VCF-style: chr2-179572364-TCCCACT-GAACTAGCAAAGCTGA.
Other names: c.27973_27979delinsTCAGCTTTGCTAGTTC, p.Gly9326_Thr9327delinsAlaLeuLeuValPro (NM_001256850.1); c.25192_25198delinsTCAGCTTTGCTAGTTC, p.Gly8399_Thr8400delinsAlaLeuLeuValPro (NM_133378.4); c.13282+30439_13282+30445delinsTCAGCTTTGCTAGTTC (NM_003319.4); c.13858+30439_13858+30445delinsTCAGCTTTGCTAGTTC (NM_133437.4); c.13657+30439_13657+30445delinsTCAGCTTTGCTAGTTC (NM_133432.3).
Identifiers: ClinVar variation 4884133 (VCV004884133.2).